The following is an entry in ClinVar:

NM_004820.5(CYP7B1):c.1233+5G>A

Gene: CYP7B1 (cytochrome P450 family 7 subfamily B member 1; minus strand). Cytogenetic location: 8q12.3.
Variant type: single nucleotide variant.
Coding change: c.1233+5G>A on transcript NM_004820.5 (MANE Select); 5 bases into the intron after coding-DNA position 1233, G replaced by A.
Molecular consequence: intron variant.
Genome position (GRCh38, 1-based): chr8:64,604,677, C>T on the plus strand (G>A on the coding strand, the complement: CYP7B1 is on the minus strand). VCF-style: chr8-64604677-C-T. GRCh37 (hg19) VCF-style: chr8-65517234-C-T.
Other names: c.1233+5G>A (NM_001324112.2).
Identifiers: ClinVar variation 2135720 (VCV002135720.2), dbSNP rs1481551638, ClinGen allele CA854264537.

ClinVar aggregate classification (germline): Uncertain significance (1 of 4 stars; one submission).

Conditions:
Spastic paraplegia. Identifiers: MedGen C0037772, HP:0001258.

Allele frequency attached by ClinVar (database versions not stated): TOPMed below 0.00001; gnomAD 0.00001.
gnomAD v4.1: 2 of 1,613,950 alleles (0.00012%); highest among the groups gnomAD compares: Non-Finnish European, 0.00017%; no homozygotes.

Submission:

Labcorp Genetics (formerly Invitae), Labcorp
Classification: Uncertain significance for Spastic paraplegia. Last evaluated: 2022-07-29. Review status: criteria provided, single submitter. Criteria: Invitae Variant Classification Sherloc (09022015). Collection method: clinical testing. Allele origin: germline.
Comment: In summary, the available evidence is currently insufficient to determine the role of this variant in disease. Therefore, it has been classified as a Variant of Uncertain Significance. Variants that disrupt the consensus splice site are a relatively common cause of aberrant splicing (PMID: 17576681, 9536098). Algorithms developed to predict the effect of sequence changes on RNA splicing suggest that this variant is not likely to affect RNA splicing. This variant has not been reported in the literature in individuals affected with CYP7B1-related conditions. This variant is not present in population databases (gnomAD no frequency). This sequence change falls in intron 5 of the CYP7B1 gene. It does not directly change the encoded amino acid sequence of the CYP7B1 protein. It affects a nucleotide within the consensus splice site.

Literature cited by the submitters: PubMed 17576681; PubMed 9536098.